The following is an entry in ClinVar:

NM_001375808.2(LPIN2):c.1985T>C (p.Ile662Thr)

Gene: LPIN2 (lipin 2; minus strand). Cytogenetic location: 18p11.31.
Variant type: single nucleotide variant.
Coding change: c.1985T>C on transcript NM_001375808.2 (MANE Select); coding-DNA position 1985, T replaced by C.
Protein change: p.Ile662Thr; replaces isoleucine 662 with threonine.
Molecular consequence: missense variant.
Genome position (GRCh38, 1-based): chr18:2,924,500, A>G on the plus strand (T>C on the coding strand, the complement: LPIN2 is on the minus strand). VCF-style: chr18-2924500-A-G. GRCh37 (hg19) VCF-style: chr18-2924498-A-G.
Other names: c.1985T>C, p.Ile662Thr (NM_001375809.1, NM_014646.2); short protein forms I662T.
Identifiers: ClinVar variation 1945478 (VCV001945478.5), dbSNP rs752327253, ClinGen allele CA8872886.
Genomic context (GRCh38, chr18:2,924,500, plus strand): 5'-TTCCAGTTCCACAGGTAAATGGTCCCTGCACAGCGACAGGTGCCTTGATACTGGGTTGTA[A>G]TACTAAACACAACATCATTTGGGCCATCGTGGAGCTTCAGTTTTGCCTTTTAAAAAAGCA-3'
Protein context (NP_001362737.1, residues 652-672): HDGPNDVVFS[Ile662Thr]TTQYQGTCRC

ClinVar aggregate classification (germline): Uncertain significance (1 of 4 stars; one submission).

Conditions:
Majeed syndrome (MJDS). Also called: CHRONIC RECURRENT MULTIFOCAL OSTEOMYELITIS 1, WITH CONGENITAL DYSERYTHROPOIETIC ANEMIA, WITH OR WITHOUT NEUTROPHILIC DERMATOSIS; LPIN2-Related Majeed Syndrome. Identifiers: Orphanet 77297, MedGen C1864997, MONDO:0012316, OMIM 609628.

Allele frequency attached by ClinVar (database versions not stated): gnomAD 0.00001; TOPMed 0.00001.
gnomAD v4.1: 15 of 1,614,086 alleles (0.00093%); highest among the groups gnomAD compares: Middle Eastern, 0.016%; no homozygotes.

Submission:

Labcorp Genetics (formerly Invitae), Labcorp
Classification: Uncertain significance for Majeed syndrome. Last evaluated: 2022-05-24. Review status: criteria provided, single submitter. Criteria: Invitae Variant Classification Sherloc (09022015). Collection method: clinical testing. Allele origin: germline.
Comment: In summary, the available evidence is currently insufficient to determine the role of this variant in disease. Therefore, it has been classified as a Variant of Uncertain Significance. Algorithms developed to predict the effect of missense changes on protein structure and function (SIFT, PolyPhen-2, Align-GVGD) all suggest that this variant is likely to be disruptive. This sequence change replaces isoleucine, which is neutral and non-polar, with threonine, which is neutral and polar, at codon 662 of the LPIN2 protein (p.Ile662Thr). This variant is present in population databases (rs752327253, gnomAD 0.02%). This variant has not been reported in the literature in individuals affected with LPIN2-related conditions.